The following is an entry in ClinVar:

ClinVar aggregate classification (germline): Uncertain significance. Review status: criteria provided, single submitter (1 of 4 stars). 2 submissions from 2 submitters: Uncertain significance (1). 1 of the submissions does not count toward it. Last evaluated 2021-09-15.

Conditions:
LRBA-related disorder. Also called: LRBA-related condition.
Combined immunodeficiency due to LRBA deficiency. Also called: Common variable immunodeficiency 8, with autoimmunity. Identifiers: Orphanet 445018, MedGen C3553512, MONDO:0013863, OMIM 614700.

Allele frequency attached by ClinVar (database versions not stated): gnomAD 0.00001; TOPMed 0.00001; gnomAD exomes 0.00002 and 0.00004; ExAC 0.00003.
gnomAD v4.1: 25 of 1,611,072 alleles (0.0016%); highest among the groups gnomAD compares: South Asian, 0.015%; no homozygotes.

Submissions (2):

Labcorp Genetics (formerly Invitae), Labcorp
Classification: Uncertain significance for Combined immunodeficiency due to LRBA deficiency. Last evaluated: 2021-09-15. Review status: criteria provided, single submitter. Criteria: Invitae Variant Classification Sherloc (09022015). Collection method: clinical testing. Allele origin: germline.
Comment: In summary, the available evidence is currently insufficient to determine the role of this variant in disease. Therefore, it has been classified as a Variant of Uncertain Significance. Algorithms developed to predict the effect of missense changes on protein structure and function (SIFT, PolyPhen-2, Align-GVGD) all suggest that this variant is likely to be tolerated. This variant has not been reported in the literature in individuals affected with LRBA-related conditions. This variant is present in population databases (rs765819758, ExAC 0.02%). This sequence change replaces proline with leucine at codon 1790 of the LRBA protein (p.Pro1790Leu). The proline residue is weakly conserved and there is a moderate physicochemical difference between proline and leucine.

PreventionGenetics, part of Exact Sciences
Classification: Uncertain significance for LRBA-related condition. Last evaluated: 2024-02-14. Review status: no assertion criteria provided. Collection method: clinical testing. Allele origin: germline. Not counted in ClinVar's aggregate classification.
Comment: The LRBA c.5369C>T variant is predicted to result in the amino acid substitution p.Pro1790Leu. To our knowledge, this variant has not been reported in the literature. This variant is reported in 0.026% of alleles in individuals of South Asian descent in gnomAD. At this time, the clinical significance of this variant is uncertain due to the absence of conclusive functional and genetic evidence.

NM_001364905.1(LRBA):c.5369C>T (p.Pro1790Leu)

Gene: LRBA (LPS responsive beige-like anchor protein; minus strand). Cytogenetic location: 4q31.3.
Variant type: single nucleotide variant.
Coding change: c.5369C>T on transcript NM_001364905.1 (MANE Select); coding-DNA position 5369, C replaced by T.
Protein change: p.Pro1790Leu; replaces proline 1790 with leucine.
Molecular consequence: missense variant.
Genome position (GRCh38, 1-based): chr4:150,808,335, G>A on the plus strand (C>T on the coding strand, the complement: LRBA is on the minus strand). VCF-style: chr4-150808335-G-A. GRCh37 (hg19) VCF-style: chr4-151729487-G-A.
Other names: c.5369C>T, p.Pro1790Leu (NM_001199282.3, NM_001367550.1, NM_006726.5); short protein forms P1790L.
Identifiers: ClinVar variation 1515835 (VCV001515835.8), dbSNP rs765819758, ClinGen allele CA3102512.
Genomic context (GRCh38, chr4:150,808,335, plus strand): 5'-ATCAAAAGGTATAAATCACAATATTCAAGTTAGTAGCTTAAATACCTCATATTTGAAACC[G>A]GATCTTGTGAAACTGAATCAACTGTTGGAACTGAGGGCAATTTTGCATTAGATGATCTAC-3'
Protein context (NP_001351834.1, residues 1780-1800): VPTVDSVSQD[Pro1790Leu]VSNMSITERL